The following is an entry in ClinVar:

NM_001018113.3(FANCB):c.1029A>C (p.Leu343=)

Gene: FANCB (FA complementation group B; minus strand). Cytogenetic location: Xp22.2.
Variant type: single nucleotide variant.
Coding change: c.1029A>C on transcript NM_001018113.3 (MANE Select); coding-DNA position 1029, A replaced by C.
Protein change: p.Leu343=; no amino-acid change (leucine 343 retained).
Molecular consequence: synonymous variant.
Genome position (GRCh38, 1-based): chrX:14,859,257, T>G on the plus strand (A>C on the coding strand, the complement: FANCB is on the minus strand). VCF-style: chrX-14859257-T-G. GRCh37 (hg19) VCF-style: chrX-14877379-T-G.
Other names: c.1029A>C, p.Leu343= (NM_001324162.2, NM_001410764.1, NM_152633.4).
Identifiers: ClinVar variation 4874751 (VCV004874751.2).

ClinVar aggregate classification (germline): Likely benign (1 of 4 stars; one submission).

Submission:

CeGaT Center for Human Genetics Tuebingen
Classification: Likely benign. Last evaluated: 2026-04-01. Review status: criteria provided, single submitter. Criteria: CeGaT Center For Human Genetics Tuebingen Variant Classification Criteria Version 2. Collection method: clinical testing. Allele origin: germline. Affected: yes. Observed: 1 variant allele.
Comment: FANCB: PM2:Supporting, BP4, BP7